The following is an entry in ClinVar:

ClinVar aggregate classification (germline): Likely benign. Review status: criteria provided, multiple submitters, no conflicts (2 of 4 stars). 2 submissions from 2 submitters: Likely benign (2). Last evaluated 2025-02-27.

Conditions:
Hypertrophic cardiomyopathy. Also called: HYPERTROPHIC MYOCARDIOPATHY. Identifiers: Orphanet 217569, MedGen C0007194, MeSH D002312, MONDO:0005045, HP:0001639.

Allele frequency attached by ClinVar (database versions not stated): gnomAD exomes 0.00001; ExAC 0.00002.
gnomAD v4.1: 7 of 1,595,766 alleles (0.00044%); highest among the groups gnomAD compares: Admixed American, 0.0017%; no homozygotes.

Submissions (2):

Labcorp Genetics (formerly Invitae), Labcorp
Classification: Likely benign for Hypertrophic cardiomyopathy. Last evaluated: 2025-02-27. Review status: criteria provided, single submitter. Criteria: Invitae Variant Classification Sherloc (09022015). Collection method: clinical testing. Allele origin: germline.

GeneDx
Classification: Likely benign. Last evaluated: 2018-06-08. Review status: criteria provided, single submitter. Criteria: GeneDx Variant Classification (06012015). Collection method: clinical testing. Allele origin: germline. Affected: yes.
Comment: This variant is considered likely benign or benign based on one or more of the following criteria: it is a conservative change, it occurs at a poorly conserved position in the protein, it is predicted to be benign by multiple in silico algorithms, and/or has population frequency not consistent with disease.

NM_000256.3(MYBPC3):c.1857G>A (p.Glu619=)

Gene: MYBPC3 (myosin binding protein C3; minus strand). Cytogenetic location: 11p11.2.
Variant type: single nucleotide variant.
Coding change: c.1857G>A on transcript NM_000256.3 (MANE Select); coding-DNA position 1857, G replaced by A.
Protein change: p.Glu619=; no amino-acid change (glutamic acid 619 retained).
Molecular consequence: synonymous variant.
Genome position (GRCh38, 1-based): chr11:47,341,178, C>T on the plus strand (G>A on the coding strand, the complement: MYBPC3 is on the minus strand). VCF-style: chr11-47341178-C-T. GRCh37 (hg19) VCF-style: chr11-47362729-C-T.
Identifiers: ClinVar variation 671962 (VCV000671962.10), dbSNP rs763030622, ClinGen allele CA078343.